The following is an entry in ClinVar:

ClinVar aggregate classification (germline): Pathogenic (1 of 4 stars; one submission).

Submission:

Labcorp Genetics (formerly Invitae), Labcorp
Classification: Pathogenic. Last evaluated: 2023-11-13. Review status: criteria provided, single submitter. Criteria: Invitae Variant Classification Sherloc (09022015). Collection method: clinical testing. Allele origin: germline.
Comment: This sequence change results in a frameshift in the NKX2-1 gene (p.Pro232Alafs*207). While this is not anticipated to result in nonsense mediated decay, it is expected to disrupt the last 170 amino acid(s) of the NKX2-1 protein and extend the protein by 36 additional amino acid residues. This variant is not present in population databases (gnomAD no frequency). This variant has not been reported in the literature in individuals affected with NKX2-1-related conditions. This variant disrupts a region of the NKX2-1 protein in which other variant(s) (p.Gln356*) have been determined to be pathogenic (Invitae). This suggests that this is a clinically significant region of the protein, and that variants that disrupt it are likely to be disease-causing. For these reasons, this variant has been classified as Pathogenic.

NM_001079668.3(NKX2-1):c.692dup (p.Pro232fs)

Genes: NKX2-1 (NK2 homeobox 1; minus strand), SFTA3 (surfactant associated 3; minus strand). Cytogenetic location: 14q13.3.
Variant type: Duplication.
Coding change: c.692dup on transcript NM_001079668.3 (MANE Select); coding-DNA position 692, one base duplicated (C; older notation c.692dupC).
Protein change: p.Pro232fs; shifts the reading frame from proline 232.
Molecular consequence: frameshift variant.
Genome position (GRCh38, 1-based): chr14:36,517,792, G duplicated on the plus strand (C on the coding strand, the reverse complement: NKX2-1 is on the minus strand). VCF-style (leftmost placement, unchanged base first): chr14-36517791-C-CG. GRCh37 (hg19) VCF-style: chr14-36986996-C-CG.
Other names: c.602dup, p.Pro202fs (NM_003317.4); short protein forms P202fs, P232fs.
Identifiers: ClinVar variation 2830842 (VCV002830842.3), dbSNP rs2502628677, ClinGen allele CA2739278428.